The following is an entry in ClinVar:

NM_014336.5(AIPL1):c.950A>G (p.Glu317Gly)

Gene: AIPL1 (AIP like 1 HSP90 co-chaperone; minus strand). Cytogenetic location: 17p13.2.
Variant type: single nucleotide variant.
Coding change: c.950A>G on transcript NM_014336.5 (MANE Select); coding-DNA position 950, A replaced by G.
Protein change: p.Glu317Gly; replaces glutamic acid 317 with glycine.
Molecular consequence: missense variant. On other transcripts: 3 prime UTR variant (1).
Genome position (GRCh38, 1-based): chr17:6,425,665, T>C on the plus strand (A>G on the coding strand, the complement: AIPL1 is on the minus strand). VCF-style: chr17-6425665-T-C. GRCh37 (hg19) VCF-style: chr17-6328985-T-C.
Other names: c.761A>G, p.Glu254Gly (NM_001033054.3); c.770A>G, p.Glu257Gly (NM_001033055.3); c.914A>G, p.Glu305Gly (NM_001285399.3); c.884A>G, p.Glu295Gly (NM_001285400.3); c.878A>G, p.Glu293Gly (NM_001285401.3); c.833A>G, p.Glu278Gly (NM_001285402.2); c.*921A>G (NM_001285403.4); c.950A>G (NM_014336.3); short protein forms E293G, E257G, E295G, E317G, E254G, E278G, E305G.
Identifiers: ClinVar variation 1399284 (VCV001399284.6), dbSNP rs754534495, ClinGen allele CA8328349.

ClinVar aggregate classification (germline): Uncertain significance. Review status: criteria provided, multiple submitters, no conflicts (2 of 4 stars). 2 submissions from 2 submitters: Uncertain significance (2). Last evaluated 2025-06-24.

Conditions:
Leber congenital amaurosis 4 (LCA4). Identifiers: MedGen C1858386, MONDO:0011458, OMIM 604393.
Inborn genetic diseases. Identifiers: MedGen C0950123, MeSH D030342.

Allele frequency attached by ClinVar (database versions not stated): gnomAD exomes below 0.00001 and 0.00001; ExAC 0.00001; gnomAD 0.00001; TOPMed 0.00001.
gnomAD v4.1: 22 of 1,610,658 alleles (0.0014%); highest among the groups gnomAD compares: Non-Finnish European, 0.0019%; no homozygotes.

Submissions (2):

Ambry Genetics
Classification: Uncertain significance for Inborn genetic diseases. Last evaluated: 2025-06-24. Review status: criteria provided, single submitter. Criteria: Ambry Variant Classification Scheme 2023. Collection method: clinical testing. Allele origin: germline.

Labcorp Genetics (formerly Invitae), Labcorp
Classification: Uncertain significance for Leber congenital amaurosis 4. Last evaluated: 2021-09-01. Review status: criteria provided, single submitter. Criteria: Invitae Variant Classification Sherloc (09022015). Collection method: clinical testing. Allele origin: germline.
Comment: This sequence change replaces glutamic acid with glycine at codon 317 of the AIPL1 protein (p.Glu317Gly). The glutamic acid residue is moderately conserved and there is a moderate physicochemical difference between glutamic acid and glycine. This variant is present in population databases (rs754534495, ExAC 0.002%). This variant has not been reported in the literature in individuals affected with AIPL1-related conditions. Algorithms developed to predict the effect of missense changes on protein structure and function (SIFT, PolyPhen-2, Align-GVGD) all suggest that this variant is likely to be tolerated. In summary, the available evidence is currently insufficient to determine the role of this variant in disease. Therefore, it has been classified as a Variant of Uncertain Significance.